The following is an entry in ClinVar:

ClinVar aggregate classification (germline): Conflicting classifications of pathogenicity. Review status: criteria provided, conflicting classifications (1 of 4 stars). 8 submissions from 8 submitters: Uncertain significance (2); Likely benign (5). 1 of the submissions does not count toward it. Last evaluated 2026-05-01.

Conditions:
IFIH1-related disorder. Also called: IFIH1-related condition.
Basal ganglia calcification, idiopathic, childhood-onset (PFBC1B). Also called: IBGC childhood onset; Bilateral striopallidodentate calcinosis childhood-onset; Cerebral calcification nonarteriosclerotic idiopathic childhood-onset. Identifiers: Orphanet 51, MedGen C1861967, MONDO:0007247, OMIM 114100.
Singleton-Merten syndrome 1 (SGMRT1). Also called: Widened medullary cavities of bone, aortic calcification, abnormal dentition, and muscular weakness; Syndrome of widened medullary cavities of the metacarpals and phalanges, aortic calcification and abnormal dentition. Identifiers: Orphanet 85191, MedGen C4225427, MONDO:0024535, OMIM 182250.
Aicardi-Goutieres syndrome 7 (AGS7). Identifiers: Orphanet 51, MedGen C3888244, MONDO:0014367, OMIM 615846.

Allele frequency attached by ClinVar (database versions not stated): 1000 Genomes Project 30x 0.00078; ESP Exome Variant Server 0.00038; 1000 Genomes Project 0.00100; TOPMed 0.00053.
gnomAD v4.1: 1,014 of 1,614,152 alleles (0.063%); highest among the groups gnomAD compares: East Asian, 0.28%; 4 homozygotes.

Submissions (8):

CeGaT Center for Human Genetics Tuebingen
Classification: Likely benign. Last evaluated: 2026-05-01. Review status: criteria provided, single submitter. Criteria: CeGaT Center For Human Genetics Tuebingen Variant Classification Criteria Version 2. Collection method: clinical testing. Allele origin: germline. Affected: yes. Observed: 5 variant alleles.
Comment: IFIH1: BP4

Labcorp Genetics (formerly Invitae), Labcorp
Classification: Likely benign for Aicardi-Goutieres syndrome 7; Singleton-Merten syndrome 1. Last evaluated: 2026-01-12. Review status: criteria provided, single submitter. Criteria: Invitae Variant Classification Sherloc (09022015). Collection method: clinical testing. Allele origin: germline.

Women's Health and Genetics/Laboratory Corporation of America, LabCorp
Classification: Likely benign. Last evaluated: 2025-09-15. Review status: criteria provided, single submitter. Criteria: LabCorp Variant Classification Summary - May 2015. Collection method: clinical testing. Allele origin: germline.

Blueprint Genetics
Classification: Likely benign. Last evaluated: 2024-11-20. Review status: criteria provided, single submitter. Criteria: ACMG Guidelines, 2015. Collection method: clinical testing. Allele origin: germline.

GeneDx
Classification: Uncertain significance. Last evaluated: 2020-01-10. Review status: criteria provided, single submitter. Criteria: GeneDx Variant Classification Process June 2021. Collection method: clinical testing. Allele origin: germline. Affected: yes.
Comment: In silico analysis, which includes protein predictors and evolutionary conservation, supports a deleterious effect; Identified in an individual with systemic lupus erythematosus, but detailed clinical information was not provided (Almlof et al., 2019); This variant is associated with the following publications: (PMID: 30707351)

Mendelics
Classification: Likely benign for Singleton-Merten syndrome 1. Last evaluated: 2019-05-28. Review status: criteria provided, single submitter. Criteria: Mendelics Assertion Criteria 2017. Collection method: clinical testing. Allele origin: unknown.

Institute of Human Genetics, University Hospital of Duesseldorf
Classification: Uncertain significance for Basal ganglia calcification, idiopathic, childhood-onset. Review status: criteria provided, single submitter. Criteria: ACMG Guidelines, 2015. Collection method: not provided. Allele origin: germline. Inheritance: Autosomal recessive inheritance. Affected: yes.

PreventionGenetics, part of Exact Sciences
Classification: Likely benign for IFIH1-related condition. Last evaluated: 2019-05-10. Review status: no assertion criteria provided. Collection method: clinical testing. Allele origin: germline. Not counted in ClinVar's aggregate classification.
Comment: This variant is classified as likely benign based on ACMG/AMP sequence variant interpretation guidelines (Richards et al. 2015 PMID: 25741868, with internal and published modifications).

NM_022168.4(IFIH1):c.229C>T (p.Arg77Trp)

Gene: IFIH1 (interferon induced with helicase C domain 1; minus strand). Cytogenetic location: 2q24.2.
Variant type: single nucleotide variant.
Coding change: c.229C>T on transcript NM_022168.4 (MANE Select); coding-DNA position 229, C replaced by T.
Protein change: p.Arg77Trp; replaces arginine 77 with tryptophan.
Molecular consequence: missense variant.
Genome position (GRCh38, 1-based): chr2:162,318,079, G>A on the plus strand (C>T on the coding strand, the complement: IFIH1 is on the minus strand). VCF-style: chr2-162318079-G-A. GRCh37 (hg19) VCF-style: chr2-163174589-G-A.
Other names: short protein forms R77W.
Identifiers: ClinVar variation 703989 (VCV000703989.43), dbSNP rs147278787, ClinGen allele CA1934875.